The following is an entry in ClinVar:

NM_006231.4(POLE):c.2407T>A (p.Ser803Thr)

Gene: POLE (DNA polymerase epsilon, catalytic subunit; minus strand). Cytogenetic location: 12q24.33.
Variant type: single nucleotide variant.
Coding change: c.2407T>A on transcript NM_006231.4 (MANE Select); coding-DNA position 2407, T replaced by A.
Protein change: p.Ser803Thr; replaces serine 803 with threonine.
Molecular consequence: missense variant.
Genome position (GRCh38, 1-based): chr12:132,665,363, A>T on the plus strand (T>A on the coding strand, the complement: POLE is on the minus strand). VCF-style: chr12-132665363-A-T. GRCh37 (hg19) VCF-style: chr12-133241949-A-T.
Other names: short protein forms S803T.
Identifiers: ClinVar variation 854747 (VCV000854747.9), dbSNP rs771068431, ClinGen allele CA387397224.

ClinVar aggregate classification (germline): Uncertain significance (1 of 4 stars; one submission).

Submission:

Labcorp Genetics (formerly Invitae), Labcorp
Classification: Uncertain significance. Last evaluated: 2019-12-11. Review status: criteria provided, single submitter. Criteria: Invitae Variant Classification Sherloc (09022015). Collection method: clinical testing. Allele origin: germline.
Comment: This variant is not present in population databases (ExAC no frequency). In summary, the available evidence is currently insufficient to determine the role of this variant in disease. Therefore, it has been classified as a Variant of Uncertain Significance. Algorithms developed to predict the effect of missense changes on protein structure and function (SIFT, PolyPhen-2, Align-GVGD) all suggest that this variant is likely to be disruptive, but these predictions have not been confirmed by published functional studies and their clinical significance is uncertain. This variant has not been reported in the literature in individuals with POLE-related conditions. This sequence change replaces serine with threonine at codon 803 of the POLE protein (p.Ser803Thr). The serine residue is highly conserved and there is a small physicochemical difference between serine and threonine.